The following is an entry in ClinVar:

NM_001378964.1(CDON):c.2026+15C>T

Gene: CDON (cell adhesion associated, oncogene regulated; minus strand). Cytogenetic location: 11q24.2.
Variant type: single nucleotide variant.
Coding change: c.2026+15C>T on transcript NM_001378964.1 (MANE Select); 15 bases into the intron after coding-DNA position 2026, C replaced by T.
Molecular consequence: intron variant.
Genome position (GRCh38, 1-based): chr11:126,003,887, G>A on the plus strand (C>T on the coding strand, the complement: CDON is on the minus strand). VCF-style: chr11-126003887-G-A. GRCh37 (hg19) VCF-style: chr11-125873782-G-A.
Other names: c.2026+15C>T (NM_001441166.1, NM_016952.6, NM_001243597.3 and 5 more transcripts).
Identifiers: ClinVar variation 303505 (VCV000303505.5), dbSNP rs143813933, ClinGen allele CA6351879.
Genomic context (GRCh38, chr11:126,003,887, plus strand): 5'-ATAAATTAATAATTCTCACTAATAAATTGACATCAGGGCAGCCAGCTCATTCCTCCAAAG[G>A]AAGCCCTCACTCACCTTTGCTGGTTCGGAAGGTAAGCATGGCAGGTTGGCCTTCACCTGC-3'

ClinVar aggregate classification (germline): Likely benign (1 of 4 stars; one submission).

Conditions:
Holoprosencephaly 11 (HPE11). Identifiers: Orphanet 2162, MedGen C3280215, MONDO:0013642, OMIM 614226.

Allele frequency attached by ClinVar (database versions not stated): gnomAD 0.00004 and 0.00006; TOPMed 0.00004; gnomAD exomes 0.00012 and 0.00020; 1000 Genomes Project 30x 0.00016; ExAC 0.00016; 1000 Genomes Project 0.00020.

Submission:

Illumina Laboratory Services, Illumina
Classification: Likely benign for Holoprosencephaly 11. Last evaluated: 2018-01-13. Review status: criteria provided, single submitter. Criteria: ICSL Variant Classification Criteria 13 December 2019. Collection method: clinical testing. Allele origin: germline.
Comment: This variant was observed in the ICSL laboratory as part of a predisposition screen in an ostensibly healthy population. It had not been previously curated by ICSL or reported in the Human Gene Mutation Database (HGMD: prior to June 1st, 2018), and was therefore a candidate for classification through an automated scoring system. Utilizing variant allele frequency, disease prevalence and penetrance estimates, and inheritance mode, an automated score was calculated to assess if this variant is too frequent to cause the disease. Based on the score and internal cut-off values, a variant classified as likely benign is not then subjected to further curation. The score for this variant resulted in a classification of likely benign for this disease.